The following is an entry in ClinVar:

ClinVar aggregate classification (germline): Likely benign. Review status: criteria provided, single submitter (1 of 4 stars). 3 submissions from 1 submitter: Likely benign (3). Last evaluated 2018-01-13.

Conditions:
Thrombophilia due to thrombin defect (THPH1). Also called: Thrombosis susceptibility; THROMBOPHILIA DUE TO FACTOR 2 DEFECT; Prothrombin-Related Thrombophilia (Factor II); Prothrombin Thrombophilia. Identifiers: MedGen C3160733, MONDO:0008559, OMIM 188050. Disease mechanism: gain of function, loss of function.
Factor V deficiency. Also called: Reduced coagulation factor V activity. Identifiers: Orphanet 326, MedGen C4317320, MONDO:0020586, HP:0003225.
Budd-Chiari syndrome (BDCHS). Also called: Hepatic vein obstruction. Identifiers: Orphanet 131, MedGen C0856761, MONDO:0010947, OMIM 600880, HP:0002639.

Allele frequency attached by ClinVar (database versions not stated): 1000 Genomes Project 0.00559; 1000 Genomes Project 30x 0.00656; gnomAD 0.00676; TOPMed 0.00715.
gnomAD v4.1: 1,022 of 152,222 alleles (0.67%); highest among the groups gnomAD compares: African/African-American, 2.4%; 9 homozygotes.

Submissions (3):

Illumina Laboratory Services, Illumina
Classification: Likely benign for Budd-Chiari syndrome. Last evaluated: 2018-01-13. Review status: criteria provided, single submitter. Criteria: ICSL Variant Classification Criteria 13 December 2019. Collection method: clinical testing. Allele origin: germline.
Comment: This variant was observed in the ICSL laboratory as part of a predisposition screen in an ostensibly healthy population. It had not been previously curated by ICSL or reported in the Human Gene Mutation Database (HGMD: prior to June 1st, 2018), and was therefore a candidate for classification through an automated scoring system. Utilizing variant allele frequency, disease prevalence and penetrance estimates, and inheritance mode, an automated score was calculated to assess if this variant is too frequent to cause the disease. Based on the score and internal cut-off values, a variant classified as likely benign is not then subjected to further curation. The score for this variant resulted in a classification of likely benign for this disease.

Illumina Laboratory Services, Illumina
Classification: Likely benign for Venous thrombosis. Last evaluated: 2018-01-13. Review status: criteria provided, single submitter. Criteria: ICSL Variant Classification Criteria 13 December 2019. Collection method: clinical testing. Allele origin: germline.
Comment: the same text as in the submission from Illumina Laboratory Services, Illumina above.

Illumina Laboratory Services, Illumina
Classification: Likely benign for Congenital factor V deficiency. Last evaluated: 2018-01-13. Review status: criteria provided, single submitter. Criteria: ICSL Variant Classification Criteria 13 December 2019. Collection method: clinical testing. Allele origin: germline.
Comment: the same text as in the submission from Illumina Laboratory Services, Illumina above.

NM_000130.5(F5):c.*1488T>C

Gene: F5 (coagulation factor V; minus strand). Cytogenetic location: 1q24.2.
Variant type: single nucleotide variant.
Coding change: c.*1488T>C on transcript NM_000130.5 (MANE Select); 1488 bases downstream of the stop codon, T replaced by C.
Molecular consequence: 3 prime UTR variant.
Genome position (GRCh38, 1-based): chr1:169,512,825, A>G on the plus strand (T>C on the coding strand, the complement: F5 is on the minus strand). VCF-style: chr1-169512825-A-G. GRCh37 (hg19) VCF-style: chr1-169482063-A-G.
Identifiers: ClinVar variation 293547 (VCV000293547.6), dbSNP rs75764442, ClinGen allele CA10608137.